The following is an entry in ClinVar:

NM_004447.6(EPS8):c.600-1G>A

Gene: EPS8 (EGFR pathway substrate 8, signaling adaptor; minus strand). Cytogenetic location: 12p12.3.
Variant type: single nucleotide variant.
Coding change: c.600-1G>A on transcript NM_004447.6 (MANE Select); the canonical splice acceptor site of the intron before coding-DNA position 600, G replaced by A.
Molecular consequence: splice acceptor variant.
Genome position (GRCh38, 1-based): chr12:15,665,893, C>T on the plus strand (G>A on the coding strand, the complement: EPS8 is on the minus strand). VCF-style: chr12-15665893-C-T. GRCh37 (hg19) VCF-style: chr12-15818827-C-T.
Other names: c.360-1G>A (NM_001413836.1, NM_001413835.1); c.600-1G>A (NM_001413831.1, NM_001413832.1, NM_001413833.1 and 3 more transcripts); c.183-1G>A (NM_001413837.1).
Identifiers: ClinVar variation 3601075 (VCV003601075.1).

ClinVar aggregate classification (germline): Likely pathogenic (1 of 4 stars; one submission).

Conditions:
Autosomal recessive nonsyndromic hearing loss 102. Also called: Deafness, autosomal recessive 102. Identifiers: Orphanet 90636, MedGen C3892050, MONDO:0014428, OMIM 615974.

Submission:

Institute of Rare Diseases, West China Hospital, Sichuan University
Classification: Likely pathogenic for Autosomal recessive nonsyndromic hearing loss 102. Last evaluated: 2025-01-09. Review status: criteria provided, single submitter. Criteria: ClinGen HL ACMG Specifications v1. Collection method: research. Allele origin: germline. Affected: yes.
Comment: PVS1;PM2_Supporting